The following is an entry in ClinVar:

NM_021072.4(HCN1):c.1361A>G (p.Asn454Ser)

Gene: HCN1 (hyperpolarization activated cyclic nucleotide gated potassium channel 1; minus strand). Cytogenetic location: 5p12.
Variant type: single nucleotide variant.
Coding change: c.1361A>G on transcript NM_021072.4 (MANE Select); coding-DNA position 1361, A replaced by G.
Protein change: p.Asn454Ser; replaces asparagine 454 with serine.
Molecular consequence: missense variant.
Genome position (GRCh38, 1-based): chr5:45,353,116, T>C on the plus strand (A>G on the coding strand, the complement: HCN1 is on the minus strand). VCF-style: chr5-45353116-T-C. GRCh37 (hg19) VCF-style: chr5-45353218-T-C.
Other names: short protein forms N454S.
Identifiers: ClinVar variation 2797275 (VCV002797275.3), dbSNP rs1426831704, ClinGen allele CA359701985.

ClinVar aggregate classification (germline): Uncertain significance (1 of 4 stars; one submission).

Conditions:
Early-infantile DEE. Also called: Early infantile epileptic encephalopathy; Early infantile epileptic encephalopathy with suppression bursts; Ohtahara syndrome. Identifiers: Orphanet 1934, MedGen C0393706, MONDO:0800491.

gnomAD v4.1: 4 of 1,611,012 alleles (0.00025%); highest among the groups gnomAD compares: East Asian, 0.0022%; no homozygotes.

Submission:

Labcorp Genetics (formerly Invitae), Labcorp
Classification: Uncertain significance for Early-infantile DEE. Last evaluated: 2023-04-15. Review status: criteria provided, single submitter. Criteria: Invitae Variant Classification Sherloc (09022015). Collection method: clinical testing. Allele origin: germline.
Comment: This variant is not present in population databases (gnomAD no frequency). In summary, the available evidence is currently insufficient to determine the role of this variant in disease. Therefore, it has been classified as a Variant of Uncertain Significance. Advanced modeling of protein sequence and biophysical properties (such as structural, functional, and spatial information, amino acid conservation, physicochemical variation, residue mobility, and thermodynamic stability) performed at Invitae indicates that this missense variant is not expected to disrupt HCN1 protein function. This variant has not been reported in the literature in individuals affected with HCN1-related conditions. This sequence change replaces asparagine, which is neutral and polar, with serine, which is neutral and polar, at codon 454 of the HCN1 protein (p.Asn454Ser).